The following is an entry in ClinVar:

ClinVar aggregate classification (germline): Uncertain significance (1 of 4 stars; one submission).

Allele frequency attached by ClinVar (database versions not stated): ExAC 0.00005; TOPMed 0.00006; gnomAD exomes 0.00022; gnomAD 0.00007; ESP Exome Variant Server 0.00015.
gnomAD v4.1: 325 of 1,614,100 alleles (0.02%); highest among the groups gnomAD compares: Non-Finnish European, 0.027%; no homozygotes.

Submission:

Ambry Genetics
Classification: Uncertain significance. Last evaluated: 2026-08-23. Review status: criteria provided, single submitter. Criteria: Ambry Variant Classification Scheme 2023. Collection method: clinical testing. Allele origin: germline.
Comment: The c.208G>A (p.G70S) alteration is located in exon 1 (coding exon 1) of the CNTROB gene. This alteration results from a G to A substitution at nucleotide position 208, causing the glycine (G) at amino acid position 70 to be replaced by a serine (S). Based on data from gnomAD, the A allele has an overall frequency of 0.005% (14/282372) total alleles studied. The highest observed frequency was 0.011% (14/128974) of European (non-Finnish) alleles. Based on insufficient or conflicting evidence, the clinical significance of this alteration remains unclear.

NM_053051.5(CNTROB):c.208G>A (p.Gly70Ser)

Gene: CNTROB (centrobin, centriole duplication and spindle assembly protein; plus strand). Cytogenetic location: 17p13.1.
Variant type: single nucleotide variant.
Coding change: c.208G>A on transcript NM_053051.5 (MANE Select); coding-DNA position 208, G replaced by A.
Protein change: p.Gly70Ser; replaces glycine 70 with serine.
Molecular consequence: missense variant. On other transcripts: 5 prime UTR variant (2).
Genome position (GRCh38, 1-based): chr17:7,933,287, G>A. VCF-style: chr17-7933287-G-A. GRCh37 (hg19) VCF-style: chr17-7836605-G-A.
Other names: c.208G>A, p.Gly70Ser (NM_001037144.7, NM_001330124.3, NM_001353202.2 and 5 more transcripts); c.-483G>A (NM_001353204.2); c.-64G>A (NM_001353205.2); short protein forms G70S.
Identifiers: ClinVar variation 3146977 (VCV003146977.2), dbSNP rs377545407, ClinGen allele CA8364593.